The following is an entry in ClinVar:

ClinVar aggregate classification (germline): Uncertain significance. Review status: criteria provided, multiple submitters, no conflicts (2 of 4 stars). 3 submissions from 3 submitters: Uncertain significance (3). Last evaluated 2024-05-10.

Conditions:
Oligodontia-cancer predisposition syndrome. Also called: TOOTH AGENESIS-COLORECTAL CANCER SYNDROME. Identifiers: Orphanet 300576, MedGen C1837750, MONDO:0012075, OMIM 608615. Disease mechanism: loss of function.
Colorectal cancer. Also called: Colorectal cancer, somatic; Malignant Colorectal Neoplasm. Identifiers: MedGen C0346629, MONDO:0005575, OMIM 114500.
Hereditary cancer-predisposing syndrome. Also called: Hereditary Cancer Syndrome; Hereditary neoplastic syndrome; Tumor predisposition; Neoplastic Syndromes, Hereditary. Identifiers: Orphanet 140162, MedGen C0027672, MeSH D009386, MONDO:0015356.

Allele frequency attached by ClinVar (database versions not stated): ExAC 0.00001.

Submissions (3):

Labcorp Genetics (formerly Invitae), Labcorp
Classification: Uncertain significance for Oligodontia-cancer predisposition syndrome. Last evaluated: 2024-05-10. Review status: criteria provided, single submitter. Criteria: Invitae Variant Classification Sherloc (09022015). Collection method: clinical testing. Allele origin: germline.
Comment: This sequence change replaces glutamine, which is neutral and polar, with arginine, which is basic and polar, at codon 332 of the AXIN2 protein (p.Gln332Arg). The frequency data for this variant in the population databases is considered unreliable, as metrics indicate poor data quality at this position in the gnomAD database. This variant has not been reported in the literature in individuals affected with AXIN2-related conditions. Advanced modeling of protein sequence and biophysical properties (such as structural, functional, and spatial information, amino acid conservation, physicochemical variation, residue mobility, and thermodynamic stability) performed at Invitae indicates that this missense variant is not expected to disrupt AXIN2 protein function with a negative predictive value of 80%. In summary, the available evidence is currently insufficient to determine the role of this variant in disease. Therefore, it has been classified as a Variant of Uncertain Significance.

Baylor Genetics
Classification: Uncertain significance for Colorectal cancer. Last evaluated: 2023-12-15. Review status: criteria provided, single submitter. Criteria: ACMG Guidelines, 2015. Collection method: clinical testing. Allele origin: unknown.

Ambry Genetics
Classification: Uncertain significance for Hereditary cancer-predisposing syndrome. Last evaluated: 2022-11-16. Review status: criteria provided, single submitter. Criteria: Ambry Variant Classification Scheme 2023. Collection method: clinical testing. Allele origin: germline.
Comment: The p.Q332R variant (also known as c.995A>G), located in coding exon 3 of the AXIN2 gene, results from an A to G substitution at nucleotide position 995. The glutamine at codon 332 is replaced by arginine, an amino acid with highly similar properties. This amino acid position is conserved. In addition, the in silico prediction for this alteration is inconclusive. Since supporting evidence is limited at this time, the clinical significance of this alteration remains unclear.

NM_004655.4(AXIN2):c.995A>G (p.Gln332Arg)

Gene: AXIN2 (axin 2; minus strand). Cytogenetic location: 17q24.1.
Variant type: single nucleotide variant.
Coding change: c.995A>G on transcript NM_004655.4 (MANE Select); coding-DNA position 995, A replaced by G.
Protein change: p.Gln332Arg; replaces glutamine 332 with arginine.
Molecular consequence: missense variant.
Genome position (GRCh38, 1-based): chr17:65,541,519, T>C on the plus strand (A>G on the coding strand, the complement: AXIN2 is on the minus strand). VCF-style: chr17-65541519-T-C. GRCh37 (hg19) VCF-style: chr17-63537637-T-C.
Other names: c.995A>G, p.Gln332Arg (NM_001363813.1); short protein forms Q332R.
Identifiers: ClinVar variation 2879323 (VCV002879323.5), dbSNP rs763207034, ClinGen allele CA8718903.